The following is an entry in ClinVar:

NM_000138.5(FBN1):c.176del (p.Cys59fs)

Gene: FBN1 (fibrillin 1; minus strand). Cytogenetic location: 15q21.1.
Variant type: Deletion.
Coding change: c.176del on transcript NM_000138.5 (MANE Select); coding-DNA position 176, one base deleted (G; older notation c.176delG).
Protein change: p.Cys59fs; shifts the reading frame from cysteine 59.
Molecular consequence: frameshift variant.
Genome position (GRCh38, 1-based): chr15:48,613,081, C deleted on the plus strand (G on the coding strand, the reverse complement: FBN1 is on the minus strand). VCF-style (leftmost placement, unchanged base first): chr15-48613080-AC-A. GRCh37 (hg19) VCF-style: chr15-48905277-AC-A.
Other names: c.176delG (NM_000138.4); short protein forms C59fs.
Identifiers: ClinVar variation 684568 (VCV000684568.2), dbSNP rs1597633219, ClinGen allele CA915946003.

ClinVar aggregate classification (germline): Pathogenic. Review status: criteria provided, single submitter (1 of 4 stars). 2 submissions from 2 submitters: Pathogenic (1). 1 of the submissions does not count toward it. Last evaluated 2025-09-08.

Conditions:
Marfan syndrome (MFS). Also called: MARFAN SYNDROME, TYPE I; FBN1-Related Marfan Syndrome; Marfan syndrome type 1; Marfan's syndrome; Marfan syndrome, classic. Identifiers: Orphanet 284963, Orphanet 558, MedGen C0024796, MONDO:0007947, OMIM 154700.
Familial thoracic aortic aneurysm and aortic dissection (TAAD). Also called: Thoracic aortic aneurysms and dissections. Identifiers: Orphanet 91387, MedGen C4707243, MONDO:0019625.

Submissions (2):

Ambry Genetics
Classification: Pathogenic for Familial thoracic aortic aneurysm and aortic dissection. Last evaluated: 2025-09-08. Review status: criteria provided, single submitter. Criteria: Ambry Variant Classification Scheme 2023. Collection method: clinical testing. Allele origin: germline.
Comment: The c.176delG pathogenic mutation, located in coding exon 2 of the FBN1 gene, results from a deletion of one nucleotide at nucleotide position 176, causing a translational frameshift with a predicted alternate stop codon (p.C59Lfs*49). This variant was reported in individual(s) with features consistent with Marfan syndrome (Mannucci L et al. Clin Chim Acta, 2020 Feb;501:154-164; Ambry internal data). This variant is considered to be rare based on population cohorts in the Genome Aggregation Database (gnomAD). This alteration is expected to result in loss of function by premature protein truncation or nonsense-mediated mRNA decay. As such, this alteration is interpreted as a disease-causing mutation.

Sangiuolo Lab - Medical Genetics Laboratory, Tor Vergata University
Classification: Pathogenic for Marfan syndrome. Last evaluated: 2019-06-06. Review status: no assertion criteria provided. Collection method: clinical testing. Allele origin: germline. Affected: yes. Not counted in ClinVar's aggregate classification.

Literature cited by the submitters: PubMed 31730815 (cited by Ambry Genetics and Sangiuolo Lab - Medical Genetics Laboratory, Tor Vergata University).